The following is an entry in ClinVar:

ClinVar aggregate classification (germline): Likely pathogenic (1 of 4 stars; one submission).

Conditions:
Leber congenital amaurosis (LCA). Also called: Leber's amaurosis. Identifiers: Orphanet 65, MedGen C0339527, MeSH D057130, MONDO:0018998.

gnomAD v4.1: 1 of 1,613,996 alleles (0.000062%); highest among the groups gnomAD compares: Non-Finnish European, 0.000085%; no homozygotes.

Submission:

Natera, Inc.
Classification: Likely pathogenic for Leber congenital amaurosis. Last evaluated: 2025-07-03. Review status: criteria provided, single submitter. Criteria: Natera Variant Classification Schema (03/2026). Collection method: clinical testing. Allele origin: germline.
Comment: The c.1104T>G variant in RPE65 is a nonsense variant predicted to introduce a stop codon at amino acid 368. This variant is expected to result in nonsense mediated decay, truncation, or a dysfunctional protein product. This variant is rare in the general population with a frequency below the threshold expected for the associated phenotype(s). Given the available evidence, this variant is classified as Likely Pathogenic.

NM_000329.3(RPE65):c.1104T>G (p.Tyr368Ter)

Gene: RPE65 (retinoid isomerohydrolase RPE65; minus strand). Cytogenetic location: 1p31.3.
Variant type: single nucleotide variant.
Coding change: c.1104T>G on transcript NM_000329.3 (MANE Select); coding-DNA position 1104, T replaced by G.
Protein change: p.Tyr368Ter; replaces tyrosine 368 with a stop codon.
Molecular consequence: nonsense.
Genome position (GRCh38, 1-based): chr1:68,438,211, A>C on the plus strand (T>G on the coding strand, the complement: RPE65 is on the minus strand). VCF-style: chr1-68438211-A-C. GRCh37 (hg19) VCF-style: chr1-68903894-A-C.
Other names: c.996T>G, p.Tyr332Ter (NM_001406853.1); c.828T>G, p.Tyr276Ter (NM_001406856.1, NM_001406857.1); c.1104T>G, p.Tyr368Ter (NM_001406859.1); short protein forms Y276*, Y332*, Y368*.
Identifiers: ClinVar variation 4818166 (VCV004818166.1).